The following is an entry in ClinVar:

ClinVar aggregate classification (germline): Uncertain significance (1 of 4 stars; one submission).

Allele frequency attached by ClinVar (database versions not stated): gnomAD 0.00001; gnomAD exomes 0.00001 and 0.00008; TOPMed 0.00002; ExAC 0.00005.
gnomAD v4.1: 16 of 1,613,278 alleles (0.00099%); highest among the groups gnomAD compares: East Asian, 0.036%; no homozygotes.

Submission:

Labcorp Genetics (formerly Invitae), Labcorp
Classification: Uncertain significance. Last evaluated: 2021-08-30. Review status: criteria provided, single submitter. Criteria: Invitae Variant Classification Sherloc (09022015). Collection method: clinical testing. Allele origin: germline.
Comment: This sequence change replaces threonine with serine at codon 481 of the RGS9 protein (p.Thr481Ser). The threonine residue is weakly conserved and there is a small physicochemical difference between threonine and serine. This variant is present in population databases (rs769316747, ExAC 0.07%). This variant has not been reported in the literature in individuals affected with RGS9-related conditions. Algorithms developed to predict the effect of missense changes on protein structure and function (SIFT, PolyPhen-2, Align-GVGD) all suggest that this variant is likely to be tolerated. In summary, the available evidence is currently insufficient to determine the role of this variant in disease. Therefore, it has been classified as a Variant of Uncertain Significance.

NM_003835.4(RGS9):c.1441A>T (p.Thr481Ser)

Gene: RGS9 (regulator of G protein signaling 9; plus strand). Cytogenetic location: 17q24.1.
Variant type: single nucleotide variant.
Coding change: c.1441A>T on transcript NM_003835.4 (MANE Select); coding-DNA position 1441, A replaced by T.
Protein change: p.Thr481Ser; replaces threonine 481 with serine.
Molecular consequence: missense variant.
Genome position (GRCh38, 1-based): chr17:65,225,035, A>T. VCF-style: chr17-65225035-A-T. GRCh37 (hg19) VCF-style: chr17-63221153-A-T.
Other names: c.1432A>T, p.Thr478Ser (NM_001081955.3); short protein forms T478S, T481S.
Identifiers: ClinVar variation 953518 (VCV000953518.7), dbSNP rs769316747, ClinGen allele CA8718060.